The following is an entry in ClinVar:

ClinVar aggregate classification (germline): Uncertain significance (1 of 4 stars; one submission).

Submission:

CeGaT Center for Human Genetics Tuebingen
Classification: Uncertain significance. Last evaluated: 2025-08-01. Review status: criteria provided, single submitter. Criteria: CeGaT Center For Human Genetics Tuebingen Variant Classification Criteria Version 2. Collection method: clinical testing. Allele origin: germline. Affected: yes. Observed: 2 variant alleles.
Comment: LGI1: PM2, PP2

NM_005097.4(LGI1):c.161T>C (p.Leu54Ser)

Gene: LGI1 (leucine rich glioma inactivated 1; plus strand). Cytogenetic location: 10q23.33.
Variant type: single nucleotide variant.
Coding change: c.161T>C on transcript NM_005097.4 (MANE Select); coding-DNA position 161, T replaced by C.
Protein change: p.Leu54Ser; replaces leucine 54 with serine.
Molecular consequence: missense variant. On other transcripts: non-coding transcript variant (1).
Genome position (GRCh38, 1-based): chr10:93,758,305, T>C. VCF-style: chr10-93758305-T-C. GRCh37 (hg19) VCF-style: chr10-95518062-T-C.
Other names: c.161T>C, p.Leu54Ser (NM_001308275.2, NM_001308276.2); short protein forms L54S.
Identifiers: ClinVar variation 4085657 (VCV004085657.8).